The following is an entry in ClinVar:

NM_001148.6(ANK2):c.6047C>T (p.Ala2016Val)

Genes: ANK2 (ankyrin 2; plus strand), LOC126807136 (MED14-independent group 3 enhancer GRCh37_chr4:114274931-114276130; plus strand). Cytogenetic location: 4q26.
Variant type: single nucleotide variant.
Coding change: c.6047C>T on transcript NM_001148.6 (MANE Select); coding-DNA position 6047, C replaced by T.
Protein change: p.Ala2016Val; replaces alanine 2016 with valine.
Molecular consequence: missense variant. On other transcripts: intron variant (68).
Genome position (GRCh38, 1-based): chr4:113,354,665, C>T. VCF-style: chr4-113354665-C-T. GRCh37 (hg19) VCF-style: chr4-114275821-C-T.
Other names: c.5813C>T, p.Ala1938Val (NM_001386142.1); c.2447C>T, p.Ala816Val (NM_001386166.1); c.6188C>T, p.Ala2063Val (NM_001386174.1); c.6164C>T, p.Ala2055Val (NM_001386175.1); c.4411+4416C>T (NM_001386186.2, NM_001386148.2); c.4213+4416C>T (NM_001354269.3); c.4291+4416C>T (NM_001386187.2); c.4252+4416C>T (NM_001386147.1); and 35 more; short protein forms A1938V, A2016V, A2055V, A2063V, A816V.
Identifiers: ClinVar variation 1025349 (VCV001025349.5), dbSNP rs769840245, ClinGen allele CA357922243.
Genomic context (GRCh38, chr4:113,354,665, plus strand): 5'-CTTTCCAGTCAGGTCAGGACCCTTCTAAACATAAAACTGGACTCTTTGAGCACAAATCAG[C>T]AAAACAAAAGCAGCCACAAGAGAAAGGTAAAGTTCGGGTAGAAAAAGAAAAGGGGCCGAT-3'
Protein context (NP_001139.3, residues 2006-2026): HKTGLFEHKS[Ala2016Val]KQKQPQEKGK

ClinVar aggregate classification (germline): Uncertain significance (1 of 4 stars; one submission).

Conditions:
Long QT syndrome (LQTS). Identifiers: MedGen C0023976, MeSH D008133, MONDO:0002442. Disease mechanism: loss of function. Inheritance: Various modes of inheritance.

Allele frequency attached by ClinVar (database versions not stated): gnomAD exomes below 0.00001.
gnomAD v4.1: 1 of 1,613,696 alleles (0.000062%); highest among the groups gnomAD compares: South Asian, 0.0011%; no homozygotes.

Submission:

Labcorp Genetics (formerly Invitae), Labcorp
Classification: Uncertain significance for Long QT syndrome. Last evaluated: 2022-10-18. Review status: criteria provided, single submitter. Criteria: Invitae Variant Classification Sherloc (09022015). Collection method: clinical testing. Allele origin: germline.
Comment: In summary, the available evidence is currently insufficient to determine the role of this variant in disease. Therefore, it has been classified as a Variant of Uncertain Significance. Advanced modeling of protein sequence and biophysical properties (such as structural, functional, and spatial information, amino acid conservation, physicochemical variation, residue mobility, and thermodynamic stability) performed at Invitae indicates that this missense variant is not expected to disrupt ANK2 protein function. ClinVar contains an entry for this variant (Variation ID: 1025349). This variant has not been reported in the literature in individuals affected with ANK2-related conditions. This variant is not present in population databases (gnomAD no frequency). This sequence change replaces alanine, which is neutral and non-polar, with valine, which is neutral and non-polar, at codon 2016 of the ANK2 protein (p.Ala2016Val).